The following is an entry in ClinVar:

NM_057175.5(NAA15):c.2562T>G (p.Asp854Glu)

Gene: NAA15 (N-alpha-acetyltransferase 15, NatA auxiliary subunit; plus strand). Cytogenetic location: 4q31.1.
Variant type: single nucleotide variant.
Coding change: c.2562T>G on transcript NM_057175.5 (MANE Select); coding-DNA position 2562, T replaced by G.
Protein change: p.Asp854Glu; replaces aspartic acid 854 with glutamic acid.
Molecular consequence: missense variant.
Genome position (GRCh38, 1-based): chr4:139,388,045, T>G. VCF-style: chr4-139388045-T-G. GRCh37 (hg19) VCF-style: chr4-140309199-T-G.
Other names: c.2559T>G, p.Asp853Glu (NM_001410842.1); c.*971T>G (NM_025085.2); short protein forms D854E, D853E.
Identifiers: ClinVar variation 1901527 (VCV001901527.5), dbSNP rs1471186794, ClinGen allele CA358271390.

ClinVar aggregate classification (germline): Uncertain significance (1 of 4 stars; one submission).

Allele frequency attached by ClinVar (database versions not stated): gnomAD 0.00001; gnomAD exomes 0.00001; TOPMed 0.00001.
gnomAD v4.1: 7 of 1,613,830 alleles (0.00043%); highest among the groups gnomAD compares: East Asian, 0.0022%; no homozygotes.

Submission:

Labcorp Genetics (formerly Invitae), Labcorp
Classification: Uncertain significance. Last evaluated: 2025-10-06. Review status: criteria provided, single submitter. Criteria: Invitae Variant Classification Sherloc (09022015). Collection method: clinical testing. Allele origin: germline.
Comment: This sequence change replaces aspartic acid, which is acidic and polar, with glutamic acid, which is acidic and polar, at codon 854 of the NAA15 protein (p.Asp854Glu). This variant is present in population databases (no rsID available, gnomAD 0.006%). This variant has not been reported in the literature in individuals affected with NAA15-related conditions. ClinVar contains an entry for this variant (Variation ID: 1901527). An algorithm developed to predict the effect of missense changes on protein structure and function (PolyPhen-2) suggests that this variant is likely to be tolerated. In summary, the available evidence is currently insufficient to determine the role of this variant in disease. Therefore, it has been classified as a Variant of Uncertain Significance.